The following is an entry in ClinVar:

NM_000080.4(CHRNE):c.235G>C (p.Asp79His)

Genes: C17orf107 (chromosome 17 open reading frame 107; plus strand), CHRNE (cholinergic receptor nicotinic epsilon subunit; minus strand). Cytogenetic location: 17p13.2.
Variant type: single nucleotide variant.
Coding change: c.235G>C on transcript NM_000080.4 (MANE Select); coding-DNA position 235, G replaced by C.
Protein change: p.Asp79His; replaces aspartic acid 79 with histidine.
Molecular consequence: missense variant. On other transcripts: 3 prime UTR variant (1).
Genome position (GRCh38, 1-based): chr17:4,902,326, C>G on the plus strand (G>C on the coding strand, the complement: CHRNE is on the minus strand). VCF-style: chr17-4902326-C-G. GRCh37 (hg19) VCF-style: chr17-4805621-C-G.
Other names: c.*1793C>G (NM_001145536.2); c.235G>C (NM_000080.3); short protein forms D79H.
Identifiers: ClinVar variation 1397465 (VCV001397465.6), dbSNP rs1200020913, ClinGen allele CA397307379.

ClinVar aggregate classification (germline): Uncertain significance. Review status: criteria provided, multiple submitters, no conflicts (2 of 4 stars). 2 submissions from 2 submitters: Uncertain significance (2). Last evaluated 2025-10-07.

Conditions:
Inborn genetic diseases. Identifiers: MedGen C0950123, MeSH D030342.
Congenital myasthenic syndrome 4A. Also called: Myasthenic syndrome, congenital, 4a, slow-channel; MYASTHENIC SYNDROME, CONGENITAL, 4A, SLOW-CHANNEL, AUTOSOMAL RECESSIVE; CONGENITAL MYASTHENIC SYNDROME TYPE Ia1. Identifiers: Orphanet 590, MedGen C4225413, MONDO:0011600, OMIM 605809.

Allele frequency attached by ClinVar (database versions not stated): gnomAD exomes 0.00001.
gnomAD v4.1: 4 of 1,614,054 alleles (0.00025%); highest among the groups gnomAD compares: Admixed American, 0.005%; no homozygotes.

Submissions (2):

Ambry Genetics
Classification: Uncertain significance for Inborn genetic diseases. Last evaluated: 2025-10-07. Review status: criteria provided, single submitter. Criteria: Ambry Variant Classification Scheme 2023. Collection method: clinical testing. Allele origin: germline.

Labcorp Genetics (formerly Invitae), Labcorp
Classification: Uncertain significance for Congenital myasthenic syndrome 4A. Last evaluated: 2021-08-31. Review status: criteria provided, single submitter. Criteria: Invitae Variant Classification Sherloc (09022015). Collection method: clinical testing. Allele origin: germline.
Comment: This sequence change replaces aspartic acid with histidine at codon 79 of the CHRNE protein (p.Asp79His). The aspartic acid residue is weakly conserved and there is a moderate physicochemical difference between aspartic acid and histidine. This variant is not present in population databases (ExAC no frequency). This variant has not been reported in the literature in individuals affected with CHRNE-related conditions. Algorithms developed to predict the effect of missense changes on protein structure and function are either unavailable or do not agree on the potential impact of this missense change (SIFT: "Tolerated"; PolyPhen-2: "Possibly Damaging"; Align-GVGD: "Class C0"). Algorithms developed to predict the effect of sequence changes on RNA splicing suggest that this variant may disrupt the consensus splice site. In summary, the available evidence is currently insufficient to determine the role of this variant in disease. Therefore, it has been classified as a Variant of Uncertain Significance.